The following is an entry in ClinVar:

ClinVar aggregate classification (germline): Pathogenic/Likely pathogenic. Review status: criteria provided, multiple submitters, no conflicts (2 of 4 stars). 3 submissions from 3 submitters: Pathogenic (2); Likely pathogenic (1). Last evaluated 2024-09-10.

Conditions:
FOXC1-related anterior segment dysgenesis. Identifiers: MedGen CN323279, MONDO:0100235.
Axenfeld-Rieger syndrome type 3 (RIEG3). Also called: AXENFELD-RIEGER ANOMALY WITH CARDIAC DEFECTS AND/OR SENSORINEURAL HEARING LOSS. Identifiers: Orphanet 782, MedGen C2678503, MONDO:0011233, OMIM 602482.

Submissions (3):

Division of Genetic & Genomic Pathology, Hong Kong Children's Hospital
Classification: Likely pathogenic for FOXC1-related anterior segment dysgenesis. Last evaluated: 2024-09-10. Review status: criteria provided, single submitter. Criteria: ACMG Guidelines, 2015. Collection method: clinical testing. Allele origin: germline. Affected: yes.
Comment: The FOXC1 c.366G>A p.(Trp122Ter) nonsense variant is located in exon 1 out of 1 exon. It is predicted to escape nonsense-mediated mRNA decay with truncation of the forkhead domain. This variant is absent in population control database (gnomAD v4.1.0). It has been reported in patients with Axenfeld-Rieger syndrome with at least one de novo occurrence (PMID: 35882526). The variant has been deposited in ClinVar as pathogenic (accession no.: VCV001693141.1). For these reasons, this variant is classified as likely pathogenic.

Labcorp Genetics (formerly Invitae), Labcorp
Classification: Pathogenic for Axenfeld-Rieger syndrome type 3. Last evaluated: 2024-06-22. Review status: criteria provided, single submitter. Criteria: Invitae Variant Classification Sherloc (09022015). Collection method: clinical testing. Allele origin: germline.
Comment: This sequence change creates a premature translational stop signal (p.Trp122*) in the FOXC1 gene. While this is not anticipated to result in nonsense mediated decay, it is expected to disrupt the last 432 amino acid(s) of the FOXC1 protein. This variant is not present in population databases (gnomAD no frequency). This premature translational stop signal has been observed in individual(s) with Axenfeld-Rieger syndrome (PMID: 35882526). In at least one individual the variant was observed to be de novo. ClinVar contains an entry for this variant (Variation ID: 1693141). This variant disrupts a region of the FOXC1 protein in which other variant(s) (p.Gln467*) have been determined to be pathogenic (PMID: 32499604). This suggests that this is a clinically significant region of the protein, and that variants that disrupt it are likely to be disease-causing. For these reasons, this variant has been classified as Pathogenic.

Genomics, Genetics and Epigenetics Laboratory, Medical College of Wisconsin
Classification: Pathogenic for Axenfeld-Rieger syndrome type 3. Last evaluated: 2022-06-23. Review status: criteria provided, single submitter. Criteria: ACMG Guidelines, 2015. Collection method: research. Allele origin: germline. Affected: yes. Observed: 2 variant alleles.

Literature cited by the submitters: PubMed 35882526 (cited by 3 submitters); PubMed 32499604 (cited by Labcorp Genetics (formerly Invitae), Labcorp).

NM_001453.3(FOXC1):c.366G>A (p.Trp122Ter)

Gene: FOXC1 (forkhead box C1; plus strand). Cytogenetic location: 6p25.3.
Variant type: single nucleotide variant.
Coding change: c.366G>A on transcript NM_001453.3 (MANE Select); coding-DNA position 366, G replaced by A.
Protein change: p.Trp122Ter; replaces tryptophan 122 with a stop codon.
Molecular consequence: nonsense.
Genome position (GRCh38, 1-based): chr6:1,610,811, G>A. VCF-style: chr6-1610811-G-A. GRCh37 (hg19) VCF-style: chr6-1611046-G-A.
Other names: short protein forms W122*.
Identifiers: ClinVar variation 1693141 (VCV001693141.4), dbSNP rs2480502418, ClinGen allele CA362558657.